The following is an entry in ClinVar:

NM_006208.3(ENPP1):c.994A>C (p.Ile332Leu)

Gene: ENPP1 (ectonucleotide pyrophosphatase/phosphodiesterase 1; plus strand). Cytogenetic location: 6q23.2.
Variant type: single nucleotide variant.
Coding change: c.994A>C on transcript NM_006208.3 (MANE Select); coding-DNA position 994, A replaced by C.
Protein change: p.Ile332Leu; replaces isoleucine 332 with leucine.
Molecular consequence: missense variant.
Genome position (GRCh38, 1-based): chr6:131,861,673, A>C. VCF-style: chr6-131861673-A-C. GRCh37 (hg19) VCF-style: chr6-132182813-A-C.
Other names: short protein forms I332L.
Identifiers: ClinVar variation 3671419 (VCV003671419.2).

ClinVar aggregate classification (germline): Uncertain significance (1 of 4 stars; one submission).

gnomAD v4.1: 2 of 1,612,202 alleles (0.00012%); highest among the groups gnomAD compares: Non-Finnish European, 0.00017%; no homozygotes.

Submission:

Labcorp Genetics (formerly Invitae), Labcorp
Classification: Uncertain significance. Last evaluated: 2024-04-09. Review status: criteria provided, single submitter. Criteria: Invitae Variant Classification Sherloc (09022015). Collection method: clinical testing. Allele origin: germline.
Comment: This sequence change replaces isoleucine, which is neutral and non-polar, with leucine, which is neutral and non-polar, at codon 332 of the ENPP1 protein (p.Ile332Leu). This variant is not present in population databases (gnomAD no frequency). This variant has not been reported in the literature in individuals affected with ENPP1-related conditions. An algorithm developed to predict the effect of missense changes on protein structure and function (PolyPhen-2) suggests that this variant is likely to be tolerated. In summary, the available evidence is currently insufficient to determine the role of this variant in disease. Therefore, it has been classified as a Variant of Uncertain Significance.